The following is an entry in ClinVar:

ClinVar aggregate classification (germline): Conflicting classifications of pathogenicity. Review status: criteria provided, conflicting classifications (1 of 4 stars). 4 submissions from 4 submitters: Uncertain significance (1); Likely benign (3). Last evaluated 2026-06-24.

Conditions:
ABCA4-related disorder. Also called: ABCA4-related disorders; ABCA4-related condition. Identifiers: MedGen CN239167.

Allele frequency attached by ClinVar (database versions not stated): ExAC 0.00001; gnomAD exomes 0.00001; gnomAD 0.00004; TOPMed 0.00006.
gnomAD v4.1: 33 of 1,614,044 alleles (0.002%); highest among the groups gnomAD compares: East Asian, 0.0089%; no homozygotes.

Submissions (4):

PreventionGenetics, part of Exact Sciences
Classification: Likely benign for ABCA4-related condition. Last evaluated: 2026-06-24. Review status: criteria provided, single submitter. Criteria: ACMG Guidelines, 2015. Collection method: clinical testing. Allele origin: germline.
Comment: This variant is classified as likely benign based on ACMG/AMP sequence variant interpretation guidelines (Richards et al. 2015 PMID: 25741868, with internal and published modifications).

Labcorp Genetics (formerly Invitae), Labcorp
Classification: Likely benign. Last evaluated: 2025-09-23. Review status: criteria provided, single submitter. Criteria: Invitae Variant Classification Sherloc (09022015). Collection method: clinical testing. Allele origin: germline.

Blueprint Genetics
Classification: Likely benign. Last evaluated: 2024-02-13. Review status: criteria provided, single submitter. Criteria: ACMG Guidelines, 2015. Collection method: clinical testing. Allele origin: germline.

Illumina Laboratory Services, Illumina
Classification: Uncertain significance for ABCA4-Related Disorders. Last evaluated: 2018-01-13. Review status: criteria provided, single submitter. Criteria: ICSL Variant Classification Criteria 13 December 2019. Collection method: clinical testing. Allele origin: germline.

NM_000350.3(ABCA4):c.2487G>A (p.Thr829=)

Gene: ABCA4 (ATP binding cassette subfamily A member 4; minus strand). Cytogenetic location: 1p22.1.
Variant type: single nucleotide variant.
Coding change: c.2487G>A on transcript NM_000350.3 (MANE Select); coding-DNA position 2487, G replaced by A.
Protein change: p.Thr829=; no amino-acid change (threonine 829 retained).
Molecular consequence: synonymous variant.
Genome position (GRCh38, 1-based): chr1:94,055,211, C>T on the plus strand (G>A on the coding strand, the complement: ABCA4 is on the minus strand). VCF-style: chr1-94055211-C-T. GRCh37 (hg19) VCF-style: chr1-94520767-C-T.
Other names: c.2265G>A, p.Thr755= (NM_001425324.1).
Identifiers: ClinVar variation 708266 (VCV000708266.16), dbSNP rs770089512, ClinGen allele CA958260.